The following is an entry in ClinVar:

ClinVar aggregate classification (germline): Conflicting classifications of pathogenicity. Review status: criteria provided, conflicting classifications (1 of 4 stars). 6 submissions from 6 submitters: Uncertain significance (1); Benign (1); Likely benign (4). Last evaluated 2025-07-10.

Conditions:
Familial cancer of breast. Also called: BREAST CANCER, FAMILIAL; hereditary breast carcinoma; Hereditary breast cancer. Identifiers: Orphanet 227535, MedGen C0346153, MONDO:0016419, OMIM 114480. Disease mechanism: loss of function.
Hereditary cancer-predisposing syndrome. Also called: Neoplastic Syndromes, Hereditary; Tumor predisposition; Hereditary Cancer Syndrome; Hereditary neoplastic syndrome. Identifiers: Orphanet 140162, MedGen C0027672, MeSH D009386, MONDO:0015356.
CHEK2-related cancer predisposition (TPDS4). Also called: CHEK2-related cancer susceptibility; TUMOR PREDISPOSITION SYNDROME 4; CANCER PREDISPOSITION SYNDROME, CHEK2-RELATED. Identifiers: Orphanet 524, MedGen C5882668, MONDO:0700271, OMIM 609265.

Allele frequency attached by ClinVar (database versions not stated): gnomAD exomes 0.00001; TOPMed 0.00002.
gnomAD v4.1: 11 of 1,614,002 alleles (0.00068%); highest among the groups gnomAD compares: Non-Finnish European, 0.00076%; no homozygotes.

Submissions (6):

Labcorp Genetics (formerly Invitae), Labcorp
Classification: Likely benign for Familial cancer of breast. Last evaluated: 2025-07-10. Review status: criteria provided, single submitter. Criteria: Invitae Variant Classification Sherloc (09022015). Collection method: clinical testing. Allele origin: germline.

Myriad Genetics, Inc.
Classification: Benign for Familial cancer of breast. Last evaluated: 2024-10-02. Review status: criteria provided, single submitter. Criteria: Myriad Autosomal Dominant, Autosomal Recessive and X-Linked Classification Criteria (2023). Collection method: clinical testing. Allele origin: unknown.
Comment: This variant is considered benign. This variant is a silent/synonymous amino acid change and it is not expected to impact splicing.

Illumina Laboratory Services, Illumina
Classification: Uncertain significance for CHEK2-Related Cancer Susceptibility. Last evaluated: 2018-01-13. Review status: criteria provided, single submitter. Criteria: ICSL Variant Classification Criteria 13 December 2019. Collection method: clinical testing. Allele origin: germline.

GeneDx
Classification: Likely benign. Last evaluated: 2016-09-29. Review status: criteria provided, single submitter. Criteria: GeneDx Variant Classification (06012015). Collection method: clinical testing. Allele origin: germline. Affected: yes.
Comment: This variant is considered likely benign or benign based on one or more of the following criteria: it is a conservative change, it occurs at a poorly conserved position in the protein, it is predicted to be benign by multiple in silico algorithms, and/or has population frequency not consistent with disease.

Color Diagnostics, LLC DBA Color Health
Classification: Likely benign for Hereditary cancer-predisposing syndrome. Last evaluated: 2015-08-04. Review status: criteria provided, single submitter. Criteria: ACMG Guidelines, 2015. Collection method: clinical testing. Allele origin: germline.

Ambry Genetics
Classification: Likely benign for Hereditary cancer-predisposing syndrome. Last evaluated: 2015-07-02. Review status: criteria provided, single submitter. Criteria: Ambry Variant Classification Scheme 2023. Collection method: clinical testing. Allele origin: germline.

NM_007194.4(CHEK2):c.417C>T (p.Tyr139=)

Gene: CHEK2 (checkpoint kinase 2; minus strand). Cytogenetic location: 22q12.1.
Variant type: single nucleotide variant.
Coding change: c.417C>T on transcript NM_007194.4 (MANE Select); coding-DNA position 417, C replaced by T.
Protein change: p.Tyr139=; no amino-acid change (tyrosine 139 retained).
Molecular consequence: synonymous variant.
Genome position (GRCh38, 1-based): chr22:28,725,270, G>A on the plus strand (C>T on the coding strand, the complement: CHEK2 is on the minus strand). VCF-style: chr22-28725270-G-A. GRCh37 (hg19) VCF-style: chr22-29121258-G-A.
Other names: c.546C>T, p.Tyr182= (NM_001005735.3); c.-361C>T (NM_001257387.3); c.417C>T, p.Tyr139= (NM_001349956.3, NM_145862.3).
Identifiers: ClinVar variation 232743 (VCV000232743.23), dbSNP rs200917541, ClinGen allele CA10581097.